The following is an entry in ClinVar:

ClinVar aggregate classification (germline): Likely pathogenic (1 of 4 stars; one submission).

Conditions:
NPHP3-related Meckel-like syndrome. Also called: Meckel syndrome type 7; GOLDSTON SYNDROME. Identifiers: Orphanet 3032, MedGen C2673885, MONDO:0009966, OMIM 267010.
Nephronophthisis 3 (NPHP3). Also called: Adolescent nephronophthisis. Identifiers: Orphanet 655, MedGen C1858392, MONDO:0011456, OMIM 604387.
Renal-hepatic-pancreatic dysplasia 1 (RHPD1). Identifiers: MedGen C3715199, MONDO:0008833, OMIM 208540.

Submission:

Juno Genomics, Hangzhou Juno Genomics, Inc
Classification: Likely pathogenic for NPHP3-related Meckel-like syndrome; Nephronophthisis 3; Renal-hepatic-pancreatic dysplasia 1. Review status: criteria provided, single submitter. Criteria: ACMG Guidelines, 2015. Collection method: clinical testing. Allele origin: germline.
Comment: Null variant in a gene where loss of function (LOF) is a known mechanism of disease.;Absent from controls (or at extremely low frequency if recessive) in Genome Aggregation Database.

NM_153240.5(NPHP3):c.2795dup (p.Asn932fs)

Genes: NPHP3 (nephrocystin 3; minus strand), NPHP3-ACAD11 (NPHP3-ACAD11 readthrough (NMD candidate); minus strand). Cytogenetic location: 3q22.1.
Variant type: Duplication.
Coding change: c.2795dup on transcript NM_153240.5 (MANE Select); coding-DNA position 2795, one base duplicated (A; older notation c.2795dupA).
Protein change: p.Asn932fs; shifts the reading frame from asparagine 932.
Molecular consequence: frameshift variant. On other transcripts: non-coding transcript variant (1).
Genome position (GRCh38, 1-based): chr3:132,689,162, T duplicated on the plus strand (A on the coding strand, the reverse complement: NPHP3 is on the minus strand); the first of 5 consecutive T bases (chr3:132,689,162-132,689,166); duplicating any one gives the same sequence. VCF-style (leftmost placement, unchanged base first): chr3-132689161-G-GT. GRCh37 (hg19) VCF-style: chr3-132408005-G-GT.
Other names: short protein forms N932fs.
Identifiers: ClinVar variation 5006542 (VCV005006542.2).